The following is an entry in ClinVar:

NM_017721.5(CC2D1A):c.1357-2A>C

Gene: CC2D1A (coiled-coil and C2 domain containing 1A; plus strand). Cytogenetic location: 19p13.12.
Variant type: single nucleotide variant.
Coding change: c.1357-2A>C on transcript NM_017721.5 (MANE Select); the canonical splice acceptor site of the intron before coding-DNA position 1357, A replaced by C.
Molecular consequence: splice acceptor variant.
Genome position (GRCh38, 1-based): chr19:13,920,555, A>C. VCF-style: chr19-13920555-A-C. GRCh37 (hg19) VCF-style: chr19-14031368-A-C.
Other names: c.1357-2A>C (NM_001411138.1).
Identifiers: ClinVar variation 588298 (VCV000588298.20), dbSNP rs200557641, ClinGen allele CA9244655.

ClinVar aggregate classification (germline): Conflicting classifications of pathogenicity. Review status: criteria provided, conflicting classifications (1 of 4 stars). 5 submissions from 5 submitters: Uncertain significance (2); Benign (1); Likely benign (2). Last evaluated 2025-09-04.

Conditions:
Inborn genetic diseases. Identifiers: MedGen C0950123, MeSH D030342.
Intellectual developmental disorder, autosomal recessive 3. Also called: Intellectual disability, autosomal recessive 3. Identifiers: Orphanet 88616, MedGen C1838023, MONDO:0012037, OMIM 608443.

Allele frequency attached by ClinVar (database versions not stated): gnomAD exomes 0.00014 and 0.00038; ExAC 0.00092; gnomAD 0.00164 and 0.00154; 1000 Genomes Project 30x 0.00250; ESP Exome Variant Server 0.00107; TOPMed 0.00158; 1000 Genomes Project 0.00260.
gnomAD v4.1: 438 of 1,557,190 alleles (0.028%); highest among the groups gnomAD compares: African/African-American, 0.5%; 1 homozygote.

Submissions (9):

Women's Health and Genetics/Laboratory Corporation of America, LabCorp
Classification: Likely benign. Last evaluated: 2025-09-04. Review status: criteria provided, single submitter. Criteria: LabCorp Variant Classification Summary - May 2015. Collection method: clinical testing. Allele origin: germline.
Comment: Variant summary: CC2D1A c.1357-2A>C is located in a canonical splice-site and is predicted to affect mRNA splicing resulting in a significantly altered protein due to either exon skipping, shortening, or inclusion of intronic material. Several computational tools predict a significant impact on normal splicing: Four predict the variant abolishes a 3 acceptor site. Two predict the variant strengthens a cryptic 3 acceptor site. One predict the variant creates a 3 acceptor site. However, these predictions have yet to be confirmed by functional studies. The variant allele was found at a frequency of 0.00038 in 229656 control chromosomes, predominantly at a frequency of 0.0054 within the African or African-American subpopulation in the gnomAD database. The observed variant frequency within African or African-American control individuals in the gnomAD database exceeds the estimated maximal expected allele frequency for disease-causing variants in CC2D1A. To our knowledge, no occurrence of c.1357-2A>C in individuals affected with CC2D1A-related conditions and no experimental evidence demonstrating its impact on protein function have been reported. ClinVar contains an entry for this variant (Variation ID: 588298). Based on the evidence outlined above, the variant was classified as likely benign.

GeneDx
Classification: Uncertain significance. Last evaluated: 2025-06-06. Review status: criteria provided, single submitter. Criteria: GeneDx Variant Classification Process June 2021. Collection method: clinical testing. Allele origin: germline. Affected: yes.
Comment: Canonical splice site variant in a gene for which loss-of-function is a known mechanism of disease; In silico analysis suggests this variant may impact gene splicing. In the absence of RNA/functional studies, the actual effect of this sequence change is unknown.; Has not been previously published as pathogenic or benign to our knowledge

Labcorp Genetics (formerly Invitae), Labcorp
Classification: Likely benign. Last evaluated: 2024-03-14. Review status: criteria provided, single submitter. Criteria: Invitae Variant Classification Sherloc (09022015). Collection method: clinical testing. Allele origin: germline.

Ambry Genetics
Classification: Benign for Inborn genetic diseases. Last evaluated: 2023-12-18. Review status: criteria provided, single submitter. Criteria: Ambry Variant Classification Scheme 2023. Collection method: clinical testing. Allele origin: germline.

CENTOGENE GmbH and LLC - Guiding Precision Medicine
Classification: Uncertain significance for Intellectual developmental disorder, autosomal recessive 3. Last evaluated: 2019-05-21. Review status: criteria provided, single submitter. Criteria: ACMG Guidelines, 2015. Collection method: clinical testing. Allele origin: germline. Affected: yes.

Dr. Peter K. Rogan Lab, Western University
No classification provided (evidence only). Condition: Malignant tumor of urinary bladder. Review status: no classification provided. Collection method: in vitro. Allele origin: not applicable. Functional consequence: retained intron. Not counted in ClinVar's aggregate classification.

Dr. Peter K. Rogan Lab, Western University
No classification provided (evidence only). Condition: Clear cell carcinoma of kidney. Review status: no classification provided. Collection method: in vitro. Allele origin: not applicable. Functional consequence: retained intron. Not counted in ClinVar's aggregate classification.

Dr. Peter K. Rogan Lab, Western University
No classification provided (evidence only). Condition: Familial cancer of breast. Review status: no classification provided. Collection method: in vitro. Allele origin: not applicable. Functional consequence: retained intron. Not counted in ClinVar's aggregate classification.

Dr. Peter K. Rogan Lab, Western University
No classification provided (evidence only). Condition: Familial cancer of breast. Review status: no classification provided. Collection method: in vitro. Allele origin: not applicable. Functional consequence: retained intron. Not counted in ClinVar's aggregate classification.